The following is an entry in ClinVar:

ClinVar aggregate classification (germline): Uncertain significance (1 of 4 stars; one submission).

Conditions:
CRELD1-related disorder. Also called: CRELD1-related condition.

Submission:

PreventionGenetics, part of Exact Sciences
Classification: Uncertain significance for CRELD1-related condition. Last evaluated: 2026-06-25. Review status: criteria provided, single submitter. Criteria: ACMG Guidelines, 2015. Collection method: clinical testing. Allele origin: germline.
Comment: The CRELD1 c.390C>T variant is not predicted to result in an amino acid change (p.=). This variant is predicted to alter splicing based on available splicing prediction programs (SpliceAI, Jaganathan et al. 2019. PubMed ID: 30661751). However, the use of computer prediction programs is not equivalent to functional evidence. To our knowledge, this variant has not been reported in the literature. This variant is reported in 0.00088% of alleles in individuals of European (Non-Finnish) descent in gnomAD. At this time, the clinical significance of this variant is uncertain due to the absence of conclusive functional and genetic evidence.

NM_001077415.3(CRELD1):c.390C>T (p.Leu130=)

Gene: CRELD1 (CRELD disulfide isomerase 1; plus strand). Cytogenetic location: 3p25.3.
Variant type: single nucleotide variant.
Coding change: c.390C>T on transcript NM_001077415.3 (MANE Select); coding-DNA position 390, C replaced by T.
Protein change: p.Leu130=; no amino-acid change (leucine 130 retained).
Molecular consequence: synonymous variant. On other transcripts: non-coding transcript variant (2).
Genome position (GRCh38, 1-based): chr3:9,938,036, C>T. VCF-style: chr3-9938036-C-T. GRCh37 (hg19) VCF-style: chr3-9979720-C-T.
Other names: c.390C>T, p.Leu130= (NM_001031717.4, NM_001374316.1, NM_001374317.1 and 5 more transcripts).
Identifiers: ClinVar variation 4989431 (VCV004989431.1).
Genomic context (GRCh38, chr3:9,938,036, plus strand): 5'-ACCTCCTCCCCACCTCCCTCCACCCTGCCCCTGCCTCAGGCAGCAGGAGGCCCCGGACCT[C>T]TTCCAGTGGCTGTGCTCAGATTCCCTGAAGCTCTGCTGCCCCGCAGGCACCTTCGGGCCC-3'
Protein context (NP_001070883.2, residues 120-140): WFHKQQEAPD[Leu130=]FQWLCSDSLK